The following is an entry in ClinVar:

ClinVar aggregate classification (germline): Pathogenic/Likely pathogenic. Review status: criteria provided, multiple submitters, no conflicts (2 of 4 stars). 9 submissions from 9 submitters: Pathogenic (2); Likely pathogenic (6). 1 of the submissions does not count toward it. Last evaluated 2025-11-11.

Conditions:
Hereditary cancer-predisposing syndrome. Also called: Hereditary Cancer Syndrome; Hereditary neoplastic syndrome; Tumor predisposition; Neoplastic Syndromes, Hereditary. Identifiers: Orphanet 140162, MedGen C0027672, MeSH D009386, MONDO:0015356.
Familial cancer of breast. Also called: BREAST CANCER, FAMILIAL; hereditary breast carcinoma; Hereditary breast cancer. Identifiers: Orphanet 227535, MedGen C0346153, MONDO:0016419, OMIM 114480. Disease mechanism: loss of function.

gnomAD v4.1: 1 of 1,613,498 alleles (0.000062%); highest among the groups gnomAD compares: Admixed American, 0.0017%; no homozygotes.

Submissions (9):

Color Diagnostics, LLC DBA Color Health
Classification: Likely pathogenic for Hereditary cancer-predisposing syndrome. Last evaluated: 2025-11-11. Review status: criteria provided, single submitter. Criteria: ACMG Guidelines, 2015. Collection method: clinical testing. Allele origin: germline.
Comment: This variant causes a G to C nucleotide substitution at the -1 position of intron 11 of the PALB2 gene. Splice site prediction tools predict that this variant may have a significant impact on RNA splicing. To our knowledge, functional studies have not been reported for this variant. This variant has been reported in two individuals affected with breast cancer (PMID: 22241545, 26681312). This variant has not been identified in the general population by the Genome Aggregation Database (gnomAD). Loss of PALB2 function is a known mechanism of disease. Based on the available evidence, this variant is classified as Likely Pathogenic.

Labcorp Genetics (formerly Invitae), Labcorp
Classification: Pathogenic for Familial cancer of breast. Last evaluated: 2025-09-27. Review status: criteria provided, single submitter. Criteria: Invitae Variant Classification Sherloc (09022015). Collection method: clinical testing. Allele origin: germline.
Comment: This sequence change affects an acceptor splice site in intron 11 of the PALB2 gene. RNA analysis indicates that disruption of this splice site induces altered splicing and may result in an absent or altered protein product. This variant is not present in population databases (gnomAD no frequency). Disruption of this splice site has been observed in individual(s) with breast cancer (PMID: 22241545, 26681312). ClinVar contains an entry for this variant (Variation ID: 126723). Studies have shown that disruption of this splice site results in activation of a cryptic splice site, and produces a non-functional protein and/or introduces a premature termination codon (internal data). For these reasons, this variant has been classified as Pathogenic.

GeneDx
Classification: Likely pathogenic. Last evaluated: 2024-11-27. Review status: criteria provided, single submitter. Criteria: GeneDx Variant Classification Process June 2021. Collection method: clinical testing. Allele origin: germline. Affected: yes.
Comment: Canonical splice site variant predicted to result in a null allele in a gene for which loss of function is a known mechanism of disease; Not observed at significant frequency in large population cohorts (gnomAD); Observed in individual(s) with breast cancer (PMID: 26681312); This variant is associated with the following publications: (PMID: 22241545, 30890586, 37651980, Din2024[Case Report], 26681312, 38898688)

Ambry Genetics
Classification: Likely pathogenic for Hereditary cancer-predisposing syndrome. Last evaluated: 2024-10-28. Review status: criteria provided, single submitter. Criteria: Ambry Variant Classification Scheme 2023. Collection method: clinical testing. Allele origin: germline.
Comment: The c.3202-1G>C intronic variant results from a G to C substitution one nucleotide upstream from coding exon 12 of the PALB2 gene. This alteration was identified in multiple individuals diagnosed with breast cancer (Susswein LR et al. Genet Med, 2016 08;18:823-32; Tischkowitz M et al. Hum Mutat, 2012 Apr;33:674-80). This nucleotide position is highly conserved in available vertebrate species. In silico splice site analysis predicts that this alteration may weaken the native splice acceptor site; however, direct evidence is insufficient at this time (Ambry internal data). This variant is considered to be rare based on population cohorts in the Genome Aggregation Database (gnomAD). Alterations that disrupt the canonical splice site are expected to cause aberrant splicing, resulting in an abnormal protein or a transcript that is subject to nonsense-mediated mRNA decay. As such, this alteration is classified as likely pathogenic.

Quest Diagnostics Nichols Institute San Juan Capistrano
Classification: Likely pathogenic. Last evaluated: 2023-12-18. Review status: criteria provided, single submitter. Criteria: Quest Diagnostics criteria. Collection method: clinical testing. Allele origin: unknown.
Comment: The PALB2 c.3202-1G>C variant disrupts a canonical splice-acceptor site and is predicted to interfere with normal PALB2 mRNA splicing. This variant has been reported in the published literature in an individual with breast cancer (PMID: 26681312 (2015)). This variant has not been reported in large, multi-ethnic general populations (Genome Aggregation Database). Based on the available information, this variant is classified as likely pathogenic.

Myriad Genetics, Inc.
Classification: Likely pathogenic for Familial cancer of breast. Last evaluated: 2023-09-14. Review status: criteria provided, single submitter. Criteria: Myriad Autosomal Dominant, Autosomal Recessive and X-Linked Classification Criteria (2023). Collection method: clinical testing. Allele origin: unknown.
Comment: This variant is considered likely pathogenic. This variant occurs within a consensus splice junction and is predicted to result in abnormal mRNA splicing of either an out-of-frame exon or an in-frame exon necessary for protein stability and/or normal function.

Baylor Genetics
Classification: Pathogenic for Familial cancer of breast. Last evaluated: 2022-06-09. Review status: criteria provided, single submitter. Criteria: ACMG Guidelines, 2015. Collection method: clinical testing. Allele origin: unknown.

Mendelics
Classification: Likely pathogenic for Familial cancer of breast. Last evaluated: 2019-05-28. Review status: criteria provided, single submitter. Criteria: Mendelics Assertion Criteria 2017. Collection method: clinical testing. Allele origin: unknown.

Leiden Open Variation Database
Classification: Likely pathogenic for Familial cancer of breast. Last evaluated: 2019-05-13. Review status: no assertion criteria provided. Collection method: curation. Allele origin: germline. Affected: yes. Not counted in ClinVar's aggregate classification.
Comment: Curators: Marc Tischkowitz, Arleen D. Auerbach. Submitter to LOVD: Marc Tischkowitz.

Literature cited by the submitters: PubMed 22241545 (cited by 4 submitters); PubMed 26681312 (cited by 4 submitters).

NM_024675.4(PALB2):c.3202-1G>C

Gene: PALB2 (partner and localizer of BRCA2; minus strand). Cytogenetic location: 16p12.2.
Variant type: single nucleotide variant.
Coding change: c.3202-1G>C on transcript NM_024675.4 (MANE Select); the canonical splice acceptor site of the intron before coding-DNA position 3202, G replaced by C.
Molecular consequence: splice acceptor variant. On other transcripts: intron variant (8).
Genome position (GRCh38, 1-based): chr16:23,608,013, C>G on the plus strand (G>C on the coding strand, the complement: PALB2 is on the minus strand). VCF-style: chr16-23608013-C-G. GRCh37 (hg19) VCF-style: chr16-23619334-C-G.
Other names: c.2229-4344G>C (NM_001407308.1, NM_001407309.1); c.2317-1G>C (NM_001407306.1, NM_001407305.1, NM_001407304.1); c.736-1G>C (NM_001407314.1); c.1414-4344G>C (NM_001407313.1); c.1414-1G>C (NM_001407312.1); c.3142-1G>C (NM_001407296.1); c.3130-1G>C (NM_001407297.1); c.3040-4344G>C (NM_001407302.1); and 6 more.
Identifiers: ClinVar variation 126723 (VCV000126723.29), dbSNP rs515726111, ClinGen allele CA269608.
Genomic context (GRCh38, chr16:23,608,013, plus strand): 5'-GCTTCGCAACGACTCACTCTCTTTGGCACAGGGATGACTCAGGACAATAAAGAGAAGCCC[C>G]TAATTTCGGAGAAAAATAAATATCCCAAATAGACTGTCAAGAGTATGTCAGGAAAAATAA-3'